The following is an entry in ClinVar:

ClinVar aggregate classification (germline): Conflicting classifications of pathogenicity. Review status: criteria provided, conflicting classifications (1 of 4 stars). 9 submissions from 9 submitters: Uncertain significance (1); Benign (3); Likely benign (3). 2 of the submissions do not count toward it. Last evaluated 2026-01-18.

Conditions:
Ehlers-Danlos syndrome (EDS). Identifiers: Orphanet 98249, MedGen C0013720, MONDO:0020066.
Familial thoracic aortic aneurysm and aortic dissection (TAAD). Also called: Thoracic aortic aneurysms and dissections. Identifiers: Orphanet 91387, MedGen C4707243, MONDO:0019625.
Congenital contractural arachnodactyly (CCA). Also called: BEALS SYNDROME; Beals-Hecht syndrome; Arthrogryposis, distal, type 9. Identifiers: Orphanet 115, MedGen C0220668, MONDO:0007363, OMIM 121050.

Allele frequency attached by ClinVar (database versions not stated): ExAC 0.00006; gnomAD exomes 0.00006 and 0.00016; ESP Exome Variant Server 0.00008; TOPMed 0.00009; gnomAD 0.00011 and 0.00012.
gnomAD v4.1: 251 of 1,613,852 alleles (0.016%); highest among the groups gnomAD compares: Non-Finnish European, 0.019%; 1 homozygote.

Submissions (9):

Labcorp Genetics (formerly Invitae), Labcorp
Classification: Likely benign for Congenital contractural arachnodactyly. Last evaluated: 2026-01-18. Review status: criteria provided, single submitter. Criteria: Invitae Variant Classification Sherloc (09022015). Collection method: clinical testing. Allele origin: germline.

Women's Health and Genetics/Laboratory Corporation of America, LabCorp
Classification: Benign. Last evaluated: 2024-03-31. Review status: criteria provided, single submitter. Criteria: LabCorp Variant Classification Summary - May 2015. Collection method: clinical testing. Allele origin: germline.

Blueprint Genetics
Classification: Likely benign. Last evaluated: 2023-04-18. Review status: criteria provided, single submitter. Criteria: ACMG Guidelines, 2015. Collection method: clinical testing. Allele origin: germline.

Genome Diagnostics Laboratory, The Hospital for Sick Children
Classification: Benign for Ehlers-Danlos syndrome. Last evaluated: 2021-11-26. Review status: criteria provided, single submitter. Criteria: ACMG Guidelines, 2015. Collection method: clinical testing. Allele origin: germline.

Illumina Laboratory Services, Illumina
Classification: Uncertain significance for Congenital contractural arachnodactyly. Last evaluated: 2018-01-12. Review status: criteria provided, single submitter. Criteria: ICSL Variant Classification Criteria 13 December 2019. Collection method: clinical testing. Allele origin: germline.

Ambry Genetics
Classification: Likely benign for Familial thoracic aortic aneurysm and aortic dissection. Last evaluated: 2016-03-28. Review status: criteria provided, single submitter. Criteria: Ambry Variant Classification Scheme 2023. Collection method: clinical testing. Allele origin: germline.

GeneDx
Classification: Benign. Last evaluated: 2014-12-05. Review status: criteria provided, single submitter. Criteria: GeneDx Variant Classification (06012015). Collection method: clinical testing. Allele origin: germline. Affected: yes.
Comment: This variant is considered likely benign or benign based on one or more of the following criteria: it is a conservative change, it occurs at a poorly conserved position in the protein, it is predicted to be benign by multiple in silico algorithms, and/or has population frequency not consistent with disease.

Clinical Genetics DNA and cytogenetics Diagnostics Lab, Erasmus MC, Erasmus Medical Center
Classification: Likely benign. Review status: no assertion criteria provided. Collection method: clinical testing. Allele origin: germline. Affected: yes. Study: VKGL Data-share Consensus. Not counted in ClinVar's aggregate classification.

Genome Diagnostics Laboratory, University Medical Center Utrecht
Classification: Likely benign. Review status: no assertion criteria provided. Collection method: clinical testing. Allele origin: germline. Affected: yes. Study: VKGL Data-share Consensus. Not counted in ClinVar's aggregate classification.

NM_001999.4(FBN2):c.2625T>C (p.Cys875=)

Gene: FBN2 (fibrillin 2; minus strand). Cytogenetic location: 5q23.3.
Variant type: single nucleotide variant.
Coding change: c.2625T>C on transcript NM_001999.4 (MANE Select); coding-DNA position 2625, T replaced by C.
Protein change: p.Cys875=; no amino-acid change (cysteine 875 retained).
Molecular consequence: synonymous variant.
Genome position (GRCh38, 1-based): chr5:128,357,325, A>G on the plus strand (T>C on the coding strand, the complement: FBN2 is on the minus strand). VCF-style: chr5-128357325-A-G. GRCh37 (hg19) VCF-style: chr5-127693017-A-G.
Identifiers: ClinVar variation 213224 (VCV000213224.28), dbSNP rs371502563, ClinGen allele CA324088.